The following is an entry in ClinVar:

ClinVar aggregate classification (germline): Conflicting classifications of pathogenicity. Review status: criteria provided, conflicting classifications (1 of 4 stars). 4 submissions from 4 submitters: Uncertain significance (3); Likely benign (1). Last evaluated 2026-03-31.

Conditions:
Inborn genetic diseases. Identifiers: MedGen C0950123, MeSH D030342.

Allele frequency attached by ClinVar (database versions not stated): TOPMed 0.00013; gnomAD exomes 0.00002; ESP Exome Variant Server 0.00008; gnomAD 0.00010 and 0.00011; ExAC 0.00001.
gnomAD v4.1: 29 of 1,602,912 alleles (0.0018%); highest among the groups gnomAD compares: African/African-American, 0.034%; no homozygotes.

Submissions (4):

GeneDx
Classification: Uncertain significance. Last evaluated: 2026-03-31. Review status: criteria provided, single submitter. Criteria: GeneDx Variant Classification Process June 2021. Collection method: clinical testing. Allele origin: germline.
Comment: In silico analysis supports that this missense variant has a deleterious effect on protein structure/function; Has not been previously published as pathogenic or benign to our knowledge

Labcorp Genetics (formerly Invitae), Labcorp
Classification: Likely benign. Last evaluated: 2025-07-01. Review status: criteria provided, single submitter. Criteria: Invitae Variant Classification Sherloc (09022015). Collection method: clinical testing. Allele origin: germline.

Ambry Genetics
Classification: Uncertain significance for Inborn genetic diseases. Last evaluated: 2023-06-06. Review status: criteria provided, single submitter. Criteria: Ambry Variant Classification Scheme 2023. Collection method: clinical testing. Allele origin: germline.

Laboratory for Molecular Medicine, Mass General Brigham Personalized Medicine
Classification: Uncertain significance. Last evaluated: 2013-11-13. Review status: criteria provided, single submitter. Criteria: LMM Criteria. Collection method: clinical testing. Allele origin: germline. Observed: 1 variant allele.
Comment: The Asp1651Asn variant in OTOF has not been previously reported in individuals w ith hearing loss but was detected in 0.02% (1/4406) of African American chromoso mes by the NHLBI Exome Sequencing Project (dbSNP r s139201321). Computational tools (amino acid biochemical properties, conservati on, AlignGVGD, SIFT, PolyPhen-2) do not provide strong evidence for or against a n impact to the protein. Additional information is required to establish the cl inical significance of this variant.

NM_194248.3(OTOF):c.4951G>A (p.Asp1651Asn)

Gene: OTOF (otoferlin; minus strand). Cytogenetic location: 2p23.3.
Variant type: single nucleotide variant.
Coding change: c.4951G>A on transcript NM_194248.3 (MANE Select); coding-DNA position 4951, G replaced by A.
Protein change: p.Asp1651Asn; replaces aspartic acid 1651 with asparagine.
Molecular consequence: missense variant.
Genome position (GRCh38, 1-based): chr2:26,464,878, C>T on the plus strand (G>A on the coding strand, the complement: OTOF is on the minus strand). VCF-style: chr2-26464878-C-T. GRCh37 (hg19) VCF-style: chr2-26687746-C-T.
Other names: c.4951G>A, p.Asp1651Asn (NM_001287489.2); c.2650G>A, p.Asp884Asn (NM_004802.4, NM_194323.3); c.2881G>A, p.Asp961Asn (NM_194322.3); short protein forms D1651N, D884N, D961N.
Identifiers: ClinVar variation 164839 (VCV000164839.13), dbSNP rs139201321, ClinGen allele CA177540.